The following is an entry in ClinVar:

ClinVar aggregate classification (germline): Uncertain significance (1 of 4 stars; one submission).

gnomAD v4.1: 3 of 1,609,052 alleles (0.00019%); highest among the groups gnomAD compares: Non-Finnish European, 0.00017%; no homozygotes.

Submission:

Labcorp Genetics (formerly Invitae), Labcorp
Classification: Uncertain significance. Last evaluated: 2025-11-03. Review status: criteria provided, single submitter. Criteria: Invitae Variant Classification Sherloc (09022015). Collection method: clinical testing. Allele origin: germline.
Comment: This sequence change replaces arginine, which is basic and polar, with tryptophan, which is neutral and slightly polar, at codon 603 of the CARMIL2 protein (p.Arg603Trp). The frequency data for this variant in the population databases is considered unreliable, as metrics indicate poor data quality at this position in the gnomAD database. This variant has not been reported in the literature in individuals affected with CARMIL2-related conditions. ClinVar contains an entry for this variant (Variation ID: 3698152). Invitae Evidence Modeling of protein sequence and biophysical properties (such as structural, functional, and spatial information, amino acid conservation, physicochemical variation, residue mobility, and thermodynamic stability) indicates that this missense variant is not expected to disrupt CARMIL2 protein function with a negative predictive value of 80%. In summary, the available evidence is currently insufficient to determine the role of this variant in disease. Therefore, it has been classified as a Variant of Uncertain Significance.

NM_001013838.3(CARMIL2):c.1807C>T (p.Arg603Trp)

Gene: CARMIL2 (capping protein regulator and myosin 1 linker 2; plus strand). Cytogenetic location: 16q22.1.
Variant type: single nucleotide variant.
Coding change: c.1807C>T on transcript NM_001013838.3 (MANE Select); coding-DNA position 1807, C replaced by T.
Protein change: p.Arg603Trp; replaces arginine 603 with tryptophan.
Molecular consequence: missense variant.
Genome position (GRCh38, 1-based): chr16:67,649,507, C>T. VCF-style: chr16-67649507-C-T. GRCh37 (hg19) VCF-style: chr16-67683410-C-T.
Other names: c.1699C>T, p.Arg567Trp (NM_001317026.3); short protein forms R603W, R567W.
Identifiers: ClinVar variation 3698152 (VCV003698152.2).